The following is an entry in ClinVar:

ClinVar aggregate classification (germline): Uncertain significance (1 of 4 stars; one submission).

Conditions:
DPAGT1-congenital disorder of glycosylation. Also called: CONGENITAL DISORDER OF GLYCOSYLATION, TYPE Ij; CDG Ij; DPAGT1-CDG. Identifiers: Orphanet 86309, MedGen C2931004, MONDO:0011964, OMIM 608093.
Congenital myasthenic syndrome 13 (CMS13). Also called: Myasthenic syndrome, congenital, 13, with tubular aggregates; Myasthenic syndrome, congenital, with tubular aggregates 2. Identifiers: Orphanet 353327, Orphanet 590, MedGen C3553645, MONDO:0013883, OMIM 614750.

Allele frequency attached by ClinVar (database versions not stated): gnomAD exomes below 0.00001; TOPMed below 0.00001; ExAC 0.00002.

Submission:

Labcorp Genetics (formerly Invitae), Labcorp
Classification: Uncertain significance for Congenital myasthenic syndrome 13; DPAGT1-congenital disorder of glycosylation. Last evaluated: 2023-10-13. Review status: criteria provided, single submitter. Criteria: Invitae Variant Classification Sherloc (09022015). Collection method: clinical testing. Allele origin: germline.
Comment: This sequence change replaces leucine, which is neutral and non-polar, with valine, which is neutral and non-polar, at codon 41 of the DPAGT1 protein (p.Leu41Val). This variant is present in population databases (rs757457824, gnomAD 0.009%). This variant has not been reported in the literature in individuals affected with DPAGT1-related conditions. ClinVar contains an entry for this variant (Variation ID: 2073421). Advanced modeling of protein sequence and biophysical properties (such as structural, functional, and spatial information, amino acid conservation, physicochemical variation, residue mobility, and thermodynamic stability) performed at Invitae indicates that this missense variant is not expected to disrupt DPAGT1 protein function. In summary, the available evidence is currently insufficient to determine the role of this variant in disease. Therefore, it has been classified as a Variant of Uncertain Significance.

NM_001382.4(DPAGT1):c.121C>G (p.Leu41Val)

Genes: DPAGT1 (dolichyl-phosphate N-acetylglucosaminephosphotransferase 1; minus strand), LOC126861360 (BRD4-independent group 4 enhancer GRCh37_chr11:118972216-118973415; plus strand). Cytogenetic location: 11q23.3.
Variant type: single nucleotide variant.
Coding change: c.121C>G on transcript NM_001382.4 (MANE Select); coding-DNA position 121, C replaced by G.
Protein change: p.Leu41Val; replaces leucine 41 with valine.
Molecular consequence: missense variant.
Genome position (GRCh38, 1-based): chr11:119,101,535, G>C on the plus strand (C>G on the coding strand, the complement: DPAGT1 is on the minus strand). VCF-style: chr11-119101535-G-C. GRCh37 (hg19) VCF-style: chr11-118972245-G-C.
Other names: short protein forms L41V.
Identifiers: ClinVar variation 2073421 (VCV002073421.4), dbSNP rs757457824, ClinGen allele CA6314726.